The following is an entry in ClinVar:

NM_001128148.3(TFRC):c.79C>G (p.Arg27Gly)

Gene: TFRC (transferrin receptor; minus strand). Cytogenetic location: 3q29.
Variant type: single nucleotide variant.
Coding change: c.79C>G on transcript NM_001128148.3 (MANE Select); coding-DNA position 79, C replaced by G.
Protein change: p.Arg27Gly; replaces arginine 27 with glycine.
Molecular consequence: missense variant. On other transcripts: intron variant (2).
Genome position (GRCh38, 1-based): chr3:196,075,318, G>C on the plus strand (C>G on the coding strand, the complement: TFRC is on the minus strand). VCF-style: chr3-196075318-G-C. GRCh37 (hg19) VCF-style: chr3-195802189-G-C.
Other names: c.79C>G, p.Arg27Gly (NM_003234.4); c.-413+1746C>G (NM_001313966.2); c.-5-1193C>G (NM_001313965.2); short protein forms R27G.
Identifiers: ClinVar variation 4774958 (VCV004774958.1).
Genomic context (GRCh38, chr3:196,075,318, plus strand): 5'-TTTCTTCTTCATCTACAGCAAGTTTCATCTCCACATGACTGTTATCGCCATCTACTTGCC[G>C]AGCCAGGCTGAACCGGGTATATGACAATGGTTCTCCACCAAACTGTGTTGCGGAAAAAGG-3'
Protein context (NP_001121620.1, residues 17-37): PLSYTRFSLA[Arg27Gly]QVDGDNSHVE

ClinVar aggregate classification (germline): Uncertain significance (1 of 4 stars; one submission).

Submission:

Labcorp Genetics (formerly Invitae), Labcorp
Classification: Uncertain significance. Last evaluated: 2025-09-01. Review status: criteria provided, single submitter. Criteria: Invitae Variant Classification Sherloc (09022015). Collection method: clinical testing. Allele origin: germline.
Comment: This sequence change replaces arginine, which is basic and polar, with glycine, which is neutral and non-polar, at codon 27 of the TFRC protein (p.Arg27Gly). This variant is present in population databases (no rsID available, gnomAD 0.003%). This variant has not been reported in the literature in individuals affected with TFRC-related conditions. An algorithm developed to predict the effect of missense changes on protein structure and function (PolyPhen-2) suggests that this variant is likely to be disruptive. In summary, the available evidence is currently insufficient to determine the role of this variant in disease. Therefore, it has been classified as a Variant of Uncertain Significance.